The following is an entry in ClinVar:

Conditions:
Breast-ovarian cancer, familial, susceptibility to, 1 (BROVCA1). Also called: BRCA1 Hereditary Breast and Ovarian Cancer; OVARIAN CANCER, SUSCEPTIBILITY TO. Identifiers: Orphanet 145, MedGen C2676676, MONDO:0011450, OMIM 604370. Disease mechanism: loss of function.

Submission:

Brotman Baty Institute, University of Washington
No classification provided (evidence only). Condition: Breast-ovarian cancer, familial 1. Review status: no classification provided. Collection method: in vitro. Allele origin: not applicable. Functional consequence: functionally_normal.
ClinVar note: "not provided" was previously submitted as the classification for the variant. However, the classification appeared to be based only on an observation of functional data so it was converted to no classification on 2025-07-30.

NM_007294.4(BRCA1):c.5490A>T (p.Ala1830=)

Gene: BRCA1 (BRCA1 DNA repair associated; minus strand). Cytogenetic location: 17q21.31.
Variant type: single nucleotide variant.
Coding change: c.5490A>T on transcript NM_007294.4 (MANE Select); coding-DNA position 5490, A replaced by T.
Protein change: p.Ala1830=; no amino-acid change (alanine 1830 retained).
Molecular consequence: synonymous variant. On other transcripts: 3 prime UTR variant (17).
Genome position (GRCh38, 1-based): chr17:43,045,780, T>A on the plus strand (A>T on the coding strand, the complement: BRCA1 is on the minus strand). VCF-style: chr17-43045780-T-A. GRCh37 (hg19) VCF-style: chr17-41197797-T-A.
Other names: c.5364A>T, p.Ala1788= (NM_001407670.1, NM_001407671.1, NM_001407672.1 and 8 more transcripts); c.5361A>T, p.Ala1787= (NM_001407681.1, NM_001407682.1, NM_001407683.1 and 6 more transcripts); c.5358A>T, p.Ala1786= (NM_001407690.1, NM_001407691.1); c.5349A>T, p.Ala1783= (NM_001407692.1, NM_001407694.1, NM_001407695.1 and 12 more transcripts); c.5346A>T, p.Ala1782= (NM_001407732.1, NM_001407733.1, NM_001407734.1 and 18 more transcripts); c.5343A>T, p.Ala1781= (NM_001407838.1, NM_001407839.1, NM_001407841.1 and 12 more transcripts); c.*4A>T (NM_001407854.1, NM_001407858.1, NM_001407859.1 and 14 more transcripts); c.5289A>T, p.Ala1763= (NM_001407862.1); and 74 more.
Identifiers: ClinVar variation 864937 (VCV000864937.3), dbSNP rs2050883369, ClinGen allele CA500142940.